The following is an entry in ClinVar:

ClinVar aggregate classification (germline): Uncertain significance (1 of 4 stars; one submission).

Conditions:
Atrial septal defect 9 (ASD9). Identifiers: Orphanet 1478, MedGen C3280943, MONDO:0013770, OMIM 614475.

Submission:

MVZ Praenatalmedizin und Genetik Nuernberg
Classification: Uncertain significance for Atrial septal defect 9. Last evaluated: 2026-07-30. Review status: criteria provided, single submitter. Criteria: ACMG Guidelines, 2015. Collection method: clinical testing. Allele origin: germline. Affected: yes.
Comment: This very rare variant (gnomAD v4: 0/1602430 alleles) has not yet been described in the ClinVar database. The literature review conducted did not yield any additional information. Computer-based predictions (in silico) consistently indicate that the variant is pathogenic; however, this is not sufficient for classification. In summary, based on the current data, we assess this to be a variant of uncertain clinical significance (VUS).

NM_005257.6(GATA6):c.441G>T (p.Met147Ile)

Gene: GATA6 (GATA binding protein 6; plus strand). Cytogenetic location: 18q11.2.
Variant type: single nucleotide variant.
Coding change: c.441G>T on transcript NM_005257.6 (MANE Select); coding-DNA position 441, G replaced by T.
Protein change: p.Met147Ile; replaces methionine 147 with isoleucine.
Molecular consequence: missense variant.
Genome position (GRCh38, 1-based): chr18:22,171,585, G>T. VCF-style: chr18-22171585-G-T. GRCh37 (hg19) VCF-style: chr18-19751546-G-T.
Other names: short protein forms M147I.
Identifiers: ClinVar variation 4888433 (VCV004888433.1).